The following is an entry in ClinVar:

ClinVar aggregate classification (germline): Benign. Review status: criteria provided, single submitter (1 of 4 stars). 3 submissions from 1 submitter: Benign (3). Last evaluated 2018-01-12.

Conditions:
Hearing loss, X-linked 1 (DFNX1). Also called: DEAFNESS, X-LINKED 1; DEAFNESS, X-LINKED 2, SENSORINEURAL CONGENITAL; DFNX1 Nonsyndromic Hearing Loss and Deafness; DFNX1 Nonsyndromic Sensorineural Hearing Loss (DFN2). Identifiers: Orphanet 90625, MedGen C1844677, MONDO:0010577, OMIM 304500.
Phosphoribosylpyrophosphate synthetase superactivity. Identifiers: Orphanet 3222, MedGen C1970827, MONDO:0010395, OMIM 300661.
Arts syndrome (ARTS). Also called: MENTAL RETARDATION, X-LINKED, SYNDROMIC 18; MENTAL RETARDATION, X-LINKED, SYNDROMIC, ARTS TYPE; ARTS SYNDROME AND PHOSPHORIBOSYLPYROPHOSPHATE SYNTHETASE SUPERACTIVITY. Identifiers: Orphanet 1187, MedGen C0796028, MONDO:0010533, OMIM 301835.

Allele frequency attached by ClinVar (database versions not stated): gnomAD exomes 0.00036; gnomAD 0.00047 and 0.00049; TOPMed 0.00060; 1000 Genomes Project 30x 0.00104; 1000 Genomes Project 0.00106.
gnomAD v4.1: 126 of 295,962 alleles (0.043%); highest among the groups gnomAD compares: Admixed American, 0.37%; no homozygotes.

Submissions (3):

Illumina Laboratory Services, Illumina
Classification: Benign for Hearing loss, X-linked 1. Last evaluated: 2018-01-12. Review status: criteria provided, single submitter. Criteria: ICSL Variant Classification Criteria 13 December 2019. Collection method: clinical testing. Allele origin: germline.
Comment: This variant was observed in the ICSL laboratory as part of a predisposition screen in an ostensibly healthy population. It had not been previously curated by ICSL or reported in the Human Gene Mutation Database (HGMD: prior to June 1st, 2018), and was therefore a candidate for classification through an automated scoring system. Utilizing variant allele frequency, disease prevalence and penetrance estimates, and inheritance mode, an automated score was calculated to assess if this variant is too frequent to cause the disease. Based on the score and internal cut-off values, a variant classified as benign is not then subjected to further curation. The score for this variant resulted in a classification of benign for this disease.

Illumina Laboratory Services, Illumina
Classification: Benign for Phosphoribosylpyrophosphate synthetase superactivity. Last evaluated: 2018-01-12. Review status: criteria provided, single submitter. Criteria: ICSL Variant Classification Criteria 13 December 2019. Collection method: clinical testing. Allele origin: germline.
Comment: the same text as in the submission from Illumina Laboratory Services, Illumina above.

Illumina Laboratory Services, Illumina
Classification: Benign for Arts syndrome. Last evaluated: 2018-01-12. Review status: criteria provided, single submitter. Criteria: ICSL Variant Classification Criteria 13 December 2019. Collection method: clinical testing. Allele origin: germline.
Comment: the same text as in the submission from Illumina Laboratory Services, Illumina above.

NM_002764.4(PRPS1):c.*725T>C

Gene: PRPS1 (phosphoribosyl pyrophosphate synthetase 1; plus strand). Cytogenetic location: Xq22.3.
Variant type: single nucleotide variant.
Coding change: c.*725T>C on transcript NM_002764.4 (MANE Select); 725 bases downstream of the stop codon, T replaced by C.
Molecular consequence: 3 prime UTR variant.
Genome position (GRCh38, 1-based): chrX:107,650,757, T>C. VCF-style: chrX-107650757-T-C. GRCh37 (hg19) VCF-style: chrX-106893987-T-C.
Other names: c.*725T>C (NM_001204402.2).
Identifiers: ClinVar variation 367710 (VCV000367710.5), dbSNP rs183744100, ClinGen allele CA10645822.